The following is an entry in ClinVar:

ClinVar aggregate classification (germline): Uncertain significance. Review status: criteria provided, single submitter (1 of 4 stars). 2 submissions from 2 submitters: Uncertain significance (1). 1 of the submissions does not count toward it. Last evaluated 2021-12-08.

Conditions:
GRN-related frontotemporal lobar degeneration with Tdp43 inclusions (FTD2). Also called: DEMENTIA, HEREDITARY DYSPHASIC DISINHIBITION; FRONTOTEMPORAL LOBAR DEGENERATION WITH UBIQUITIN-POSITIVE INCLUSIONS; FTLD-TDP, GRN-RELATED; FRONTOTEMPORAL DEMENTIA WITH TDP43 INCLUSIONS, GRN-RELATED; GRN Frontotemporal Dementia. Identifiers: Orphanet 100070, Orphanet 282, MedGen C1843792, MONDO:0011842, OMIM 607485. Disease mechanism: loss of function.
Neuronal ceroid lipofuscinosis 11. Also called: GRN-Related Neuronal Ceroid-Lipofuscinosis. Identifiers: Orphanet 314629, Orphanet 79262, MedGen C3539123, MONDO:0013866, OMIM 614706.

Allele frequency attached by ClinVar (database versions not stated): TOPMed below 0.00001; gnomAD 0.00001.
gnomAD v4.1: 1 of 1,609,896 alleles (0.000062%); highest among the groups gnomAD compares: Non-Finnish European, 0.000085%; no homozygotes.

Submissions (2):

Labcorp Genetics (formerly Invitae), Labcorp
Classification: Uncertain significance for Neuronal ceroid lipofuscinosis 11; GRN-related frontotemporal lobar degeneration with Tdp43 inclusions. Last evaluated: 2021-12-08. Review status: criteria provided, single submitter. Criteria: Invitae Variant Classification Sherloc (09022015). Collection method: clinical testing. Allele origin: germline.
Comment: In summary, the available evidence is currently insufficient to determine the role of this variant in disease. Therefore, it has been classified as a Variant of Uncertain Significance. Algorithms developed to predict the effect of missense changes on protein structure and function are either unavailable or do not agree on the potential impact of this missense change (SIFT: "Deleterious"; PolyPhen-2: "Probably Damaging"; Align-GVGD: "Class C0"). ClinVar contains an entry for this variant (Variation ID: 98185). This variant has not been reported in the literature in individuals affected with GRN-related conditions. This variant is not present in population databases (gnomAD no frequency). This sequence change replaces proline, which is neutral and non-polar, with leucine, which is neutral and non-polar, at codon 470 of the GRN protein (p.Pro470Leu).

VIB  Department of Molecular Genetics, University of Antwerp
No classification provided. Review status: no classification provided. Collection method: not provided. Allele origin: unknown. Not counted in ClinVar's aggregate classification.

NM_002087.4(GRN):c.1409C>T (p.Pro470Leu)

Gene: GRN (granulin precursor; plus strand). Cytogenetic location: 17q21.31.
Variant type: single nucleotide variant.
Coding change: c.1409C>T on transcript NM_002087.4 (MANE Select); coding-DNA position 1409, C replaced by T.
Protein change: p.Pro470Leu; replaces proline 470 with leucine.
Molecular consequence: missense variant.
Genome position (GRCh38, 1-based): chr17:44,352,244, C>T. VCF-style: chr17-44352244-C-T. GRCh37 (hg19) VCF-style: chr17-42429612-C-T.
Other names: short protein forms P470L.
Identifiers: ClinVar variation 98185 (VCV000098185.6), dbSNP rs63750007, ClinGen allele CA225349.